The following is an entry in ClinVar:

NM_005909.5(MAP1B):c.1911G>A (p.Thr637=)

Gene: MAP1B (microtubule associated protein 1B; plus strand). Cytogenetic location: 5q13.2.
Variant type: single nucleotide variant.
Coding change: c.1911G>A on transcript NM_005909.5 (MANE Select); coding-DNA position 1911, G replaced by A.
Protein change: p.Thr637=; no amino-acid change (threonine 637 retained).
Molecular consequence: synonymous variant.
Genome position (GRCh38, 1-based): chr5:72,195,266, G>A. VCF-style: chr5-72195266-G-A. GRCh37 (hg19) VCF-style: chr5-71491093-G-A.
Other names: c.1533G>A, p.Thr511= (NM_001324255.2).
Identifiers: ClinVar variation 3771425 (VCV003771425.13).

ClinVar aggregate classification (germline): Likely benign (1 of 4 stars; one submission).

gnomAD v4.1: 82 of 1,613,360 alleles (0.0051%); highest among the groups gnomAD compares: African/African-American, 0.056%; no homozygotes.

Submission:

CeGaT Center for Human Genetics Tuebingen
Classification: Likely benign. Last evaluated: 2025-02-01. Review status: criteria provided, single submitter. Criteria: CeGaT Center For Human Genetics Tuebingen Variant Classification Criteria Version 2. Collection method: clinical testing. Allele origin: germline. Affected: yes. Observed: 1 variant allele.
Comment: MAP1B: BP4, BP7